The following is an entry in ClinVar:

ClinVar aggregate classification (germline): Uncertain significance. Review status: criteria provided, single submitter (1 of 4 stars). 2 submissions from 2 submitters: Uncertain significance (1). 1 of the submissions does not count toward it. Last evaluated 2021-09-01.

Conditions:
Primary ciliary dyskinesia. Also called: Ciliary dyskinesia. Identifiers: Orphanet 244, MedGen C0008780, MONDO:0016575, HP:0012265.

Allele frequency attached by ClinVar (database versions not stated): gnomAD exomes below 0.00001; TOPMed 0.00002.

Submissions (2):

Labcorp Genetics (formerly Invitae), Labcorp
Classification: Uncertain significance for Primary ciliary dyskinesia. Last evaluated: 2021-09-01. Review status: criteria provided, single submitter. Criteria: Invitae Variant Classification Sherloc (09022015). Collection method: clinical testing. Allele origin: germline.
Comment: This sequence change replaces methionine with threonine at codon 1520 of the DNAH5 protein (p.Met1520Thr). The methionine residue is moderately conserved and there is a moderate physicochemical difference between methionine and threonine. This variant is not present in population databases (ExAC no frequency). This variant has not been reported in the literature in individuals affected with DNAH5-related conditions. Algorithms developed to predict the effect of missense changes on protein structure and function are either unavailable or do not agree on the potential impact of this missense change (SIFT: "Deleterious"; PolyPhen-2: "Benign"; Align-GVGD: "Class C0"). In summary, the available evidence is currently insufficient to determine the role of this variant in disease. Therefore, it has been classified as a Variant of Uncertain Significance.

Natera, Inc.
Classification: Uncertain significance for Primary ciliary dyskinesia. Last evaluated: 2021-10-14. Review status: no assertion criteria provided. Collection method: clinical testing. Allele origin: germline. Not counted in ClinVar's aggregate classification.

NM_001369.3(DNAH5):c.4559T>C (p.Met1520Thr)

Genes: DNAH5 (dynein axonemal heavy chain 5; minus strand), DNAH5-AS1 (DNAH5 antisense RNA 1; plus strand). Cytogenetic location: 5p15.2.
Variant type: single nucleotide variant.
Coding change: c.4559T>C on transcript NM_001369.3 (MANE Select); coding-DNA position 4559, T replaced by C.
Protein change: p.Met1520Thr; replaces methionine 1520 with threonine.
Molecular consequence: missense variant.
Genome position (GRCh38, 1-based): chr5:13,864,434, A>G on the plus strand (T>C on the coding strand, the complement: DNAH5 is on the minus strand). VCF-style: chr5-13864434-A-G. GRCh37 (hg19) VCF-style: chr5-13864543-A-G.
Other names: short protein forms M1520T.
Identifiers: ClinVar variation 454776 (VCV000454776.10), dbSNP rs916516633, ClinGen allele CA113974969.